The following is an entry in ClinVar:

NM_022455.5(NSD1):c.5520A>T (p.Glu1840Asp)

Gene: NSD1 (nuclear receptor binding SET domain protein 1; plus strand). Cytogenetic location: 5q35.3.
Variant type: single nucleotide variant.
Coding change: c.5520A>T on transcript NM_022455.5 (MANE Select); coding-DNA position 5520, A replaced by T.
Protein change: p.Glu1840Asp; replaces glutamic acid 1840 with aspartic acid.
Molecular consequence: missense variant.
Genome position (GRCh38, 1-based): chr5:177,273,682, A>T. VCF-style: chr5-177273682-A-T. GRCh37 (hg19) VCF-style: chr5-176700683-A-T.
Other names: c.4647A>T, p.Glu1549Asp (NM_001409308.1, NM_001409309.1, NM_172349.5 and 1 more transcripts); c.5520A>T, p.Glu1840Asp (NM_001409301.1, NM_001409302.1, NM_001409303.1); c.5100A>T, p.Glu1700Asp (NM_001409304.1); c.4767A>T, p.Glu1589Asp (NM_001409305.1); c.4758A>T, p.Glu1586Asp (NM_001409306.1, NM_001409307.1); short protein forms E1589D, E1840D, E1549D, E1586D, E1700D.
Identifiers: ClinVar variation 3706968 (VCV003706968.2).

ClinVar aggregate classification (germline): Uncertain significance (1 of 4 stars; one submission).

gnomAD v4.1: 4 of 1,612,700 alleles (0.00025%); highest among the groups gnomAD compares: Admixed American, 0.0033%; no homozygotes.

Submission:

Labcorp Genetics (formerly Invitae), Labcorp
Classification: Uncertain significance. Last evaluated: 2024-09-14. Review status: criteria provided, single submitter. Criteria: Invitae Variant Classification Sherloc (09022015). Collection method: clinical testing. Allele origin: germline.
Comment: This sequence change replaces glutamic acid, which is acidic and polar, with aspartic acid, which is acidic and polar, at codon 1840 of the NSD1 protein (p.Glu1840Asp). This variant is present in population databases (rs140815139, gnomAD 0.003%). This variant has not been reported in the literature in individuals affected with NSD1-related conditions. Invitae Evidence Modeling of protein sequence and biophysical properties (such as structural, functional, and spatial information, amino acid conservation, physicochemical variation, residue mobility, and thermodynamic stability) indicates that this missense variant is expected to disrupt NSD1 protein function with a positive predictive value of 95%. In summary, the available evidence is currently insufficient to determine the role of this variant in disease. Therefore, it has been classified as a Variant of Uncertain Significance.